The following is an entry in ClinVar:

NM_080425.4(GNAS):c.1150G>A (p.Gly384Arg)

Gene: GNAS (GNAS complex locus; plus strand). Cytogenetic location: 20q13.32.
Variant type: single nucleotide variant.
Coding change: c.1150G>A on transcript NM_080425.4 (MANE Plus Clinical); coding-DNA position 1150, G replaced by A.
Protein change: p.Gly384Arg; replaces glycine 384 with arginine.
Molecular consequence: missense variant. On other transcripts: synonymous variant (2), intron variant (3).
Genome position (GRCh38, 1-based): chr20:58,854,415, G>A. VCF-style: chr20-58854415-G-A. GRCh37 (hg19) VCF-style: chr20-57429470-G-A.
Other names: c.963G>A, p.Pro321= (NM_001077490.3, NM_001309883.1); c.1150G>A, p.Gly384Arg (NM_001410913.1); c.*42+13529G>A (NM_016592.5); c.43+13529G>A (NM_001410912.1); c.-39+12540G>A (NM_001309861.2); short protein forms G384R.
Identifiers: ClinVar variation 3038211 (VCV003038211.3), dbSNP rs556287876, ClinGen allele CA9926638.

ClinVar aggregate classification (germline): Likely benign. Review status: criteria provided, single submitter (1 of 4 stars). 2 submissions from 2 submitters: Likely benign (1). 1 of the submissions does not count toward it. Last evaluated 2026-06-01.

Conditions:
GNAS-related disorder. Identifiers: MedGen CN380105.

Allele frequency attached by ClinVar (database versions not stated): TOPMed 0.00002; 1000 Genomes Project 0.00040; 1000 Genomes Project 30x 0.00031; ExAC 0.00065; gnomAD 0.00005.
gnomAD v4.1: 207 of 1,568,548 alleles (0.013%); highest among the groups gnomAD compares: South Asian, 0.22%; 1 homozygote.

Submissions (2):

CeGaT Center for Human Genetics Tuebingen
Classification: Likely benign. Last evaluated: 2026-06-01. Review status: criteria provided, single submitter. Criteria: CeGaT Center For Human Genetics Tuebingen Variant Classification Criteria Version 2. Collection method: clinical testing. Allele origin: germline. Affected: yes. Observed: 1 variant allele.
Comment: GNAS: BS1

PreventionGenetics, part of Exact Sciences
Classification: Likely benign for GNAS-related condition. Last evaluated: 2022-03-07. Review status: no assertion criteria provided. Collection method: clinical testing. Allele origin: germline. Not counted in ClinVar's aggregate classification.
Comment: This variant is classified as likely benign based on ACMG/AMP sequence variant interpretation guidelines (Richards et al. 2015 PMID: 25741868, with internal and published modifications).